The following is an entry in ClinVar:

ClinVar aggregate classification (germline): Conflicting classifications of pathogenicity. Review status: criteria provided, conflicting classifications (1 of 4 stars). 2 submissions from 2 submitters: Likely pathogenic (1); Uncertain significance (1). Last evaluated 2026-06-01.

Conditions:
Retinitis pigmentosa (RP). Identifiers: Orphanet 791, MedGen C0035334, MeSH D012174, MONDO:0019200, OMIM 268000. Inheritance: Autosomal dominant, autosomal recessive and X linked inheritance.
USH2A-related disorder. Also called: USH2A-related disorders; USH2A-related condition. Identifiers: MedGen CN239332.

Allele frequency attached by ClinVar (database versions not stated): gnomAD 0.00001; gnomAD exomes 0.00001 and 0.00002; ExAC 0.00005.
gnomAD v4.1: 8 of 1,613,784 alleles (0.0005%); highest among the groups gnomAD compares: Admixed American, 0.0017%; no homozygotes.

Submissions (2):

Myriad Genetics, Inc.
Classification: Uncertain significance for USH2A-related disorder. Last evaluated: 2026-06-01. Review status: criteria provided, single submitter. Criteria: Myriad Autosomal Dominant, Autosomal Recessive and X-Linked Classification Criteria (2023). Collection method: clinical testing. Allele origin: unknown.
Comment: NM_206933.2(USH2A):c.7067A>G(N2356S) is a missense variant classified as a variant of uncertain significance in the context of USH2A-related disorders. N2356S has been observed in cases with relevant disease (PMID: 34203967, 33623043). Relevant functional assessments of this variant are not available in the literature. N2356S has been observed in referenced population frequency databases. In summary, there is insufficient evidence to classify NM_206933.2(USH2A):c.7067A>G(N2356S) as pathogenic or benign. Please note: this variant was assessed in the context of healthy population screening.

Department of Genetics, Fundacion Jimenez Diaz University Hospital
Classification: Likely pathogenic for Retinitis pigmentosa. Review status: criteria provided, single submitter. Criteria: ACMG Guidelines, 2015. Collection method: clinical testing. Allele origin: unknown. Affected: yes.
Comment: The variants is not found in population databases, same amino acid change has been previously reported pathogenic and predicted deleterious by in-silico pathogenicity predictors . (ACMG: PS1 Strong; PM2 Moderate; PP3 Supporting)

Literature cited by the submitters: PubMed 33623043 (cited by Myriad Genetics, Inc.); PubMed 34203967 (cited by Myriad Genetics, Inc.).

NM_206933.4(USH2A):c.7067A>G (p.Asn2356Ser)

Gene: USH2A (usherin; minus strand). Cytogenetic location: 1q41.
Variant type: single nucleotide variant.
Coding change: c.7067A>G on transcript NM_206933.4 (MANE Select); coding-DNA position 7067, A replaced by G.
Protein change: p.Asn2356Ser; replaces asparagine 2356 with serine.
Molecular consequence: missense variant.
Genome position (GRCh38, 1-based): chr1:215,965,370, T>C on the plus strand (A>G on the coding strand, the complement: USH2A is on the minus strand). VCF-style: chr1-215965370-T-C. GRCh37 (hg19) VCF-style: chr1-216138712-T-C.
Other names: short protein forms N2356S.
Identifiers: ClinVar variation 988656 (VCV000988656.2), dbSNP rs756203141, ClinGen allele CA1394954.